The following is an entry in ClinVar:

ClinVar aggregate classification (germline): Pathogenic. Review status: criteria provided, multiple submitters, no conflicts (2 of 4 stars). 10 submissions from 10 submitters: Pathogenic (8). 2 of the submissions do not count toward it. Last evaluated 2026-02-09.

Conditions:
Inborn genetic diseases. Identifiers: MedGen C0950123, MeSH D030342.
CEP55-related disorder. Also called: CEP55-related condition.
Multinucleated neurons-anhydramnios-renal dysplasia-cerebellar hypoplasia-hydranencephaly syndrome. Also called: Hydranencephaly with renal aplasia-dysplasia. Identifiers: Orphanet 500135, MedGen C1856053, MONDO:0009359, OMIM 236500.

Allele frequency attached by ClinVar (database versions not stated): ESP Exome Variant Server 0.00008; gnomAD 0.00017 and 0.00019; TOPMed 0.00023; gnomAD exomes 0.00028 and 0.00049; ExAC 0.00038.

Submissions (10):

Clinical Genomics Laboratory, Washington University in St. Louis
Classification: Pathogenic for Multinucleated neurons-anhydramnios-renal dysplasia-cerebellar hypoplasia-hydranencephaly syndrome. Last evaluated: 2026-02-09. Review status: criteria provided, single submitter. Criteria: ACMG Guidelines, 2015. Collection method: clinical testing. Allele origin: germline. Affected: yes.
Comment: The CEP55 c.256C>T (p.Arg86*) variant has been reported in at least three individuals affected with CEP55-related disorders and of those individuals, one carried the variant in the homozygous state and two individuals carried the variant in trans (on the opposite allele) from a missense CEP55 variant of uncertain significance (Barrie ES et al., PMID: 32100459; Bondeson ML et al., PMID: 28295209). This variant has been reported in the ClinVar database as a germline pathogenic variant by eight submitters. This variant is only observed in 724/1,613,690 alleles in the general population (gnomAD v4.1.0), indicating it is not a common variant. This variant causes a premature termination codon, which is predicted to lead to nonsense mediated decay. Based on available information and the ACMG/AMP guidelines for variant interpretation (Richards S et al., PMID: 25741868), this variant is classified as pathogenic.

Blueprint Genetics
Classification: Pathogenic for CEP55-related disorders. Last evaluated: 2024-10-18. Review status: criteria provided, single submitter. Criteria: ACMG Guidelines, 2015. Collection method: clinical testing. Allele origin: germline. Affected: yes. Observed: 5 variant alleles.

GeneDx
Classification: Pathogenic. Last evaluated: 2023-09-01. Review status: criteria provided, single submitter. Criteria: GeneDx Variant Classification Process June 2021. Collection method: clinical testing. Allele origin: germline. Affected: yes.
Comment: Nonsense variant predicted to result in protein truncation or nonsense mediated decay in a gene for which loss of function is a known mechanism of disease; Published functional studies suggest a damaging effect on cilia disassembly (Zhang et al., 2019); This variant is associated with the following publications: (PMID: 30622327, 32100459, 28295209, 33475699)

Labcorp Genetics (formerly Invitae), Labcorp
Classification: Pathogenic. Last evaluated: 2022-09-17. Review status: criteria provided, single submitter. Criteria: Invitae Variant Classification Sherloc (09022015). Collection method: clinical testing. Allele origin: germline.
Comment: This sequence change creates a premature translational stop signal (p.Arg86*) in the CEP55 gene. It is expected to result in an absent or disrupted protein product. Loss-of-function variants in CEP55 are known to be pathogenic (PMID: 28264986, 28295209, 30622327). This variant is present in population databases (rs141458677, gnomAD 0.06%). This premature translational stop signal has been observed in individual(s) with clinical features of Meckel-Gruber syndrome (PMID: 28295209, 32100459). It has also been observed to segregate with disease in related individuals. ClinVar contains an entry for this variant (Variation ID: 437875). For these reasons, this variant has been classified as Pathogenic.

Revvity Omics, Revvity
Classification: Pathogenic for Multinucleated neurons-anhydramnios-renal dysplasia-cerebellar hypoplasia-hydranencephaly syndrome. Last evaluated: 2021-08-31. Review status: criteria provided, single submitter. Criteria: ACMG Guidelines, 2015. Collection method: clinical testing. Allele origin: germline.

Ambry Genetics
Classification: Pathogenic for Inborn genetic diseases. Last evaluated: 2020-12-04. Review status: criteria provided, single submitter. Criteria: Ambry Variant Classification Scheme 2023. Collection method: clinical testing. Allele origin: germline.
Comment: The c.256C>T (p.R86*) alteration, located in exon 3 (coding exon 2) of the CEP55 gene, consists of a C to T substitution at nucleotide position 256. This changes the amino acid from an arginine (R) to a stop codon at amino acid position 86. This alteration is expected to result in loss of function by premature protein truncation or nonsense-mediated mRNA decay. This mutation was identified in the homozygous state in a fetus with Meckel-like syndrome; both parents and an unaffected sibling were heterozygous (Bondeson, 2017). This mutation was also detected in trans with a missense variant in two individuals with developmental delay, microcephaly/borderline microcephaly, and dysmorphic features (Barrie, 2020). Based on the available evidence, this alteration is classified as pathogenic.

Equipe Genetique des Anomalies du Developpement, Université de Bourgogne
Classification: Pathogenic for Multinucleated neurons-anhydramnios-renal dysplasia-cerebellar hypoplasia-hydranencephaly syndrome. Last evaluated: 2020-07-22. Review status: criteria provided, single submitter. Criteria: ACMG Guidelines, 2015. Collection method: clinical testing. Allele origin: maternal. Inheritance: Autosomal recessive inheritance. Affected: yes.
Comment: This variant was observed in compound heterozygosity with variant NM_018131.5:c.256C>T

Rady Children's Institute for Genomic Medicine, Rady Children's Hospital San Diego
Classification: Pathogenic for MULTINUCLEATED NEURONS, ANHYDRAMNIOS, RENAL DYSPLASIA, CEREBELLAR HYPOPLASIA, AND HYDRANENCEPHALY. Review status: criteria provided, single submitter. Criteria: ACMG Guidelines, 2015. Collection method: clinical testing. Allele origin: germline. Affected: yes.
Comment: This nonsense variant found in exon 3 of 9 and is predicted to result in loss of normal protein function through either protein truncation or nonsense-mediated mRNA decay (NMD). This variant has been previously reported as a homozygous change in a fetus with a prenatal lethal phenotype consistent with Multinucleated neurons, Anhydramnios, Renal dysplasia, Cerebellar hypoplasia, and Hydranencephaly (MARCH) syndrome, and as a compound heterozygous change in an infant with microcephaly, speech delay, and bilateral toe syndactyly (MIM: #236500; PMID: 28295209, 32100459). It is present in the heterozygous state in the gnomAD population database at a frequency of 0.03% (80/282750) and thus is presumed to be rare. Based on the available evidence, the c.256C>T (p.Arg86Ter) variant is classified as Pathogenic.

PreventionGenetics, part of Exact Sciences
Classification: Pathogenic for CEP55-related condition. Last evaluated: 2024-09-05. Review status: no assertion criteria provided. Collection method: clinical testing. Allele origin: germline. Not counted in ClinVar's aggregate classification.
Comment: The CEP55 c.256C>T variant is predicted to result in premature protein termination (p.Arg86*). This variant in the homozygous condition or along with a second variant in CEP55 was reported in two individuals with Meckel-like syndrome (Bondeson et al. 2017. PubMed ID: 28295209; Barrie et al. 2020. PubMed ID: 32100459). Functional studies suggest that this variant led to disrupted dynamic regulation of cilia formation (Zhang et al. 2021. PubMed ID: 33475699). This variant is reported in 0.056% of alleles in individuals of Latino descent in gnomAD. Nonsense variants in CEP55 are expected to be pathogenic. This variant is interpreted as pathogenic.

OMIM
Classification: Pathogenic for MULTINUCLEATED NEURONS, ANHYDRAMNIOS, RENAL DYSPLASIA, CEREBELLAR HYPOPLASIA, AND HYDRANENCEPHALY. Last evaluated: 2017-08-28. Review status: no assertion criteria provided. Collection method: literature only. Allele origin: germline. Not counted in ClinVar's aggregate classification.

Literature cited by the submitters: PubMed 28264986 (cited by Labcorp Genetics (formerly Invitae), Labcorp); PubMed 28295209 (cited by 3 submitters); PubMed 30622327 (cited by Labcorp Genetics (formerly Invitae), Labcorp and Equipe Genetique des Anomalies du Developpement, Université de Bourgogne); PubMed 32100459 (cited by Labcorp Genetics (formerly Invitae), Labcorp and Ambry Genetics).

NM_018131.5(CEP55):c.256C>T (p.Arg86Ter)

Gene: CEP55 (centrosomal protein 55; plus strand). Cytogenetic location: 10q23.33.
Variant type: single nucleotide variant.
Coding change: c.256C>T on transcript NM_018131.5 (MANE Select); coding-DNA position 256, C replaced by T.
Protein change: p.Arg86Ter; replaces arginine 86 with a stop codon.
Molecular consequence: nonsense.
Genome position (GRCh38, 1-based): chr10:93,503,185, C>T. VCF-style: chr10-93503185-C-T. GRCh37 (hg19) VCF-style: chr10-95262942-C-T.
Other names: CEP55, ARG86TER (rs141458677); c.256C>T, p.Arg86Ter (NM_001127182.2); c.256C>T (NM_018131.4); short protein forms R86*.
Identifiers: ClinVar variation 437875 (VCV000437875.16), dbSNP rs141458677, ClinGen allele CA5608864.